The following is an entry in ClinVar:

NM_001166114.2(PNPLA6):c.1544T>C (p.Leu515Pro)

Gene: PNPLA6 (patatin like domain 6, lysophospholipase; plus strand). Cytogenetic location: 19p13.2.
Variant type: single nucleotide variant.
Coding change: c.1544T>C on transcript NM_001166114.2 (MANE Select); coding-DNA position 1544, T replaced by C.
Protein change: p.Leu515Pro; replaces leucine 515 with proline.
Molecular consequence: missense variant. On other transcripts: intron variant (1).
Genome position (GRCh38, 1-based): chr19:7,543,020, T>C. VCF-style: chr19-7543020-T-C. GRCh37 (hg19) VCF-style: chr19-7607906-T-C.
Other names: c.1571T>C, p.Leu524Pro (NM_001166111.2); c.1427T>C, p.Leu476Pro (NM_001166113.1, NM_006702.5); c.1413+92T>C (NM_001166112.2); short protein forms L476P, L524P, L515P.
Identifiers: ClinVar variation 2009274 (VCV002009274.2), dbSNP rs763286598, ClinGen allele CA9139859.

ClinVar aggregate classification (germline): Conflicting classifications of pathogenicity. Review status: criteria provided, conflicting classifications (1 of 4 stars). 2 submissions from 2 submitters: Likely pathogenic (1); Uncertain significance (1). Last evaluated 2024-01-30.

Conditions:
Hereditary spastic paraplegia 39 (SPG39). Also called: SPASTIC PARAPLEGIA 39, AUTOSOMAL RECESSIVE; Spastic Paraplegia Type 39 (SPG39). Identifiers: Orphanet 139480, MedGen C2677586, MONDO:0012787, OMIM 612020.
PNPLA6-related disorder. Also called: PNPLA6-related disorders; PNPLA6-related condition.

Allele frequency attached by ClinVar (database versions not stated): gnomAD exomes 0.00001; TOPMed 0.00001; ExAC 0.00002; gnomAD 0.00003.
gnomAD v4.1: 13 of 1,613,810 alleles (0.00081%); highest among the groups gnomAD compares: Non-Finnish European, 0.001%; no homozygotes.

Submissions (2):

Blueprint Genetics
Classification: Likely pathogenic for PNPLA6-related disorders. Last evaluated: 2024-01-30. Review status: criteria provided, single submitter. Criteria: ACMG Guidelines, 2015. Collection method: clinical testing. Allele origin: germline. Affected: yes. Observed: 5 variant alleles.

Labcorp Genetics (formerly Invitae), Labcorp
Classification: Uncertain significance for Hereditary spastic paraplegia 39. Last evaluated: 2022-07-20. Review status: criteria provided, single submitter. Criteria: Invitae Variant Classification Sherloc (09022015). Collection method: clinical testing. Allele origin: germline.
Comment: This sequence change replaces leucine, which is neutral and non-polar, with proline, which is neutral and non-polar, at codon 476 of the PNPLA6 protein (p.Leu476Pro). This variant is present in population databases (rs763286598, gnomAD 0.005%). This variant has not been reported in the literature in individuals affected with PNPLA6-related conditions. Algorithms developed to predict the effect of missense changes on protein structure and function (SIFT, PolyPhen-2, Align-GVGD) all suggest that this variant is likely to be disruptive. Experimental studies have shown that this missense change affects PNPLA6 function (PMID: 31780887). In summary, the available evidence is currently insufficient to determine the role of this variant in disease. Therefore, it has been classified as a Variant of Uncertain Significance.

Literature cited by the submitters: PubMed 31780887 (cited by Labcorp Genetics (formerly Invitae), Labcorp).